The following is an entry in ClinVar:

ClinVar aggregate classification (germline): Conflicting classifications of pathogenicity. Review status: criteria provided, conflicting classifications (1 of 4 stars). 2 submissions from 2 submitters: Uncertain significance (1); Likely benign (1). Last evaluated 2025-10-23.

Conditions:
Granulomatous disease, chronic, autosomal recessive, cytochrome b-positive, type 3. Also called: GRANULOMATOUS DISEASE, CHRONIC, AUTOSOMAL RECESSIVE, 3; CGD, AUTOSOMAL RECESSIVE CYTOCHROME b-POSITIVE, TYPE III; GRANULOMATOUS DISEASE, CHRONIC, DUE TO NCF4 DEFICIENCY; Granulomatous disease, chronic, autosomal recessive, cytochrome b-positive, type III. Identifiers: Orphanet 379, MedGen C3151409, MONDO:0013507, OMIM 613960.

Allele frequency attached by ClinVar (database versions not stated): gnomAD exomes below 0.00001; ExAC 0.00001; gnomAD 0.00002; TOPMed 0.00004.
gnomAD v4.1: 9 of 1,612,632 alleles (0.00056%); highest among the groups gnomAD compares: Non-Finnish European, 0.00059%; no homozygotes.

Submissions (2):

Labcorp Genetics (formerly Invitae), Labcorp
Classification: Uncertain significance for Granulomatous disease, chronic, autosomal recessive, cytochrome b-positive, type 3. Last evaluated: 2025-10-23. Review status: criteria provided, single submitter. Criteria: Invitae Variant Classification Sherloc (09022015). Collection method: clinical testing. Allele origin: germline.
Comment: This sequence change replaces arginine, which is basic and polar, with glutamine, which is neutral and polar, at codon 338 of the NCF4 protein (p.Arg338Gln). This variant is present in population databases (rs766525712, gnomAD 0.0009%). This variant has not been reported in the literature in individuals affected with NCF4-related conditions. ClinVar contains an entry for this variant (Variation ID: 1391298). An algorithm developed to predict the effect of missense changes on protein structure and function (PolyPhen-2) suggests that this variant is likely to be tolerated. In summary, the available evidence is currently insufficient to determine the role of this variant in disease. Therefore, it has been classified as a Variant of Uncertain Significance.

Ambry Genetics
Classification: Likely benign. Last evaluated: 2023-11-20. Review status: criteria provided, single submitter. Criteria: Ambry Variant Classification Scheme 2023. Collection method: clinical testing. Allele origin: germline.

NM_000631.5(NCF4):c.768G>A (p.Ala256=)

Gene: NCF4 (neutrophil cytosolic factor 4; plus strand). Cytogenetic location: 22q12.3.
Variant type: single nucleotide variant.
Coding change: c.768G>A on transcript NM_000631.5 (MANE Select); coding-DNA position 768, G replaced by A.
Protein change: p.Ala256=; no amino-acid change (alanine 256 retained).
Molecular consequence: synonymous variant. On other transcripts: missense variant (1).
Genome position (GRCh38, 1-based): chr22:36,876,038, G>A. VCF-style: chr22-36876038-G-A. GRCh37 (hg19) VCF-style: chr22-37272080-G-A.
Other names: c.1013G>A (NM_013416.3); c.1013G>A, p.Arg338Gln (NM_013416.4); short protein forms R338Q.
Identifiers: ClinVar variation 1391298 (VCV001391298.7), dbSNP rs766525712, ClinGen allele CA10213211.